The following is an entry in ClinVar:

NM_001363540.2(DOCK4):c.1385A>G (p.Asn462Ser)

Gene: DOCK4 (dedicator of cytokinesis 4; minus strand). Cytogenetic location: 7q31.1.
Variant type: single nucleotide variant.
Coding change: c.1385A>G on transcript NM_001363540.2 (MANE Select); coding-DNA position 1385, A replaced by G.
Protein change: p.Asn462Ser; replaces asparagine 462 with serine.
Molecular consequence: missense variant.
Genome position (GRCh38, 1-based): chr7:111,900,469, T>C on the plus strand (A>G on the coding strand, the complement: DOCK4 is on the minus strand). VCF-style: chr7-111900469-T-C. GRCh37 (hg19) VCF-style: chr7-111540525-T-C.
Other names: c.1385A>G, p.Asn462Ser (NM_014705.4); short protein forms N462S.
Identifiers: ClinVar variation 4872222 (VCV004872222.2).

ClinVar aggregate classification (germline): Likely benign (1 of 4 stars; one submission).

gnomAD v4.1: 33 of 1,613,050 alleles (0.002%); highest among the groups gnomAD compares: Non-Finnish European, 0.0026%; no homozygotes.

Submission:

CeGaT Center for Human Genetics Tuebingen
Classification: Likely benign. Last evaluated: 2026-09-01. Review status: criteria provided, single submitter. Criteria: CeGaT Center For Human Genetics Tuebingen Variant Classification Criteria Version 2. Collection method: clinical testing. Allele origin: germline. Affected: yes. Observed: 2 variant alleles.
Comment: DOCK4: BS1